The following is an entry in ClinVar:

ClinVar aggregate classification (germline): Uncertain significance (1 of 4 stars; one submission).

Conditions:
Cardiovascular phenotype. Identifiers: MedGen CN230736.

Submission:

Ambry Genetics
Classification: Uncertain significance for Cardiovascular phenotype. Last evaluated: 2022-10-21. Review status: criteria provided, single submitter. Criteria: Ambry Variant Classification Scheme 2023. Collection method: clinical testing. Allele origin: germline.
Comment: The p.I38M variant (also known as c.114C>G), located in coding exon 1 of the PLN gene, results from a C to G substitution at nucleotide position 114. The isoleucine at codon 38 is replaced by methionine, an amino acid with highly similar properties. This amino acid position is conserved. In addition, this alteration is predicted to be deleterious by in silico analysis. Since supporting evidence is limited at this time, the clinical significance of this alteration remains unclear.

NM_002667.5(PLN):c.114C>G (p.Ile38Met)

Genes: CEP85L (centrosomal protein 85 like; minus strand), PLN (phospholamban; plus strand). Cytogenetic location: 6q22.31.
Variant type: single nucleotide variant.
Coding change: c.114C>G on transcript NM_002667.5 (MANE Select); coding-DNA position 114, C replaced by G.
Protein change: p.Ile38Met; replaces isoleucine 38 with methionine.
Molecular consequence: missense variant. On other transcripts: intron variant (3).
Genome position (GRCh38, 1-based): chr6:118,559,035, C>G. VCF-style: chr6-118559035-C-G. GRCh37 (hg19) VCF-style: chr6-118880198-C-G.
Other names: c.1029+6494G>C (NM_001178035.2); c.1020+6494G>C (NM_001042475.3, NM_206921.3); short protein forms I38M.
Identifiers: ClinVar variation 1733517 (VCV001733517.2), dbSNP rs2534333802, ClinGen allele CA365546560.